The following is an entry in ClinVar:

NM_001267550.2(TTN):c.21114A>G (p.Ser7038=)

Genes: TTN (titin; minus strand), LOC126806428 (BRD4-independent group 4 enhancer GRCh37_chr2:179588362-179589561; plus strand). Cytogenetic location: 2q31.2.
Variant type: single nucleotide variant.
Coding change: c.21114A>G on transcript NM_001267550.2 (MANE Select); coding-DNA position 21114, A replaced by G.
Protein change: p.Ser7038=; no amino-acid change (serine 7038 retained).
Molecular consequence: synonymous variant. On other transcripts: intron variant (3).
Genome position (GRCh38, 1-based): chr2:178,724,261, T>C on the plus strand (A>G on the coding strand, the complement: TTN is on the minus strand). VCF-style: chr2-178724261-T-C. GRCh37 (hg19) VCF-style: chr2-179588988-T-C.
Other names: c.20163A>G, p.Ser6721= (NM_001256850.1); c.17382A>G, p.Ser5794= (NM_133378.4); c.13282+13821A>G (NM_003319.4); c.13858+13821A>G (NM_133437.4); c.13657+13821A>G (NM_133432.3).
Identifiers: ClinVar variation 4795275 (VCV004795275.1).

ClinVar aggregate classification (germline): Uncertain significance (1 of 4 stars; one submission).

gnomAD v4.1: 12 of 1,611,316 alleles (0.00074%); highest among the groups gnomAD compares: Non-Finnish European, 0.001%; no homozygotes.

Submission:

GeneDx
Classification: Uncertain significance. Last evaluated: 2025-08-15. Review status: criteria provided, single submitter. Criteria: GeneDx Variant Classification Process June 2021. Collection method: clinical testing. Allele origin: germline. Affected: yes.
Comment: Not observed at significant frequency in large population cohorts (gnomAD); Has not been previously published as pathogenic or benign to our knowledge; In silico analysis is inconclusive as to whether the variant alters gene splicing. In the absence of RNA/functional studies, the actual effect of this sequence change is unknown.